The following is an entry in ClinVar:

ClinVar aggregate classification (germline): Pathogenic (1 of 4 stars; one submission).

Submission:

Labcorp Genetics (formerly Invitae), Labcorp
Classification: Pathogenic. Last evaluated: 2023-06-03. Review status: criteria provided, single submitter. Criteria: Invitae Variant Classification Sherloc (09022015). Collection method: clinical testing. Allele origin: germline.
Comment: For these reasons, this variant has been classified as Pathogenic. Algorithms developed to predict the effect of sequence changes on RNA splicing suggest that this variant may create or strengthen a splice site. This variant has not been reported in the literature in individuals affected with CACNA1F-related conditions. This variant is not present in population databases (gnomAD no frequency). This sequence change creates a premature translational stop signal (p.Arg1296Profs*41) in the CACNA1F gene. It is expected to result in an absent or disrupted protein product. Loss-of-function variants in CACNA1F are known to be pathogenic (PMID: 9662399, 11281458, 17525176, 22194652, 24124559, 26992781).

Literature cited by the submitters: PubMed 9662399; PubMed 11281458; PubMed 17525176; PubMed 22194652; PubMed 24124559; PubMed 26992781.

NM_001256789.3(CACNA1F):c.3854del (p.Arg1285fs)

Gene: CACNA1F (calcium voltage-gated channel subunit alpha1 F; minus strand). Cytogenetic location: Xp11.23.
Variant type: Deletion.
Coding change: c.3854del on transcript NM_001256789.3 (MANE Select); coding-DNA position 3854, one base deleted (G; older notation c.3854delG).
Protein change: p.Arg1285fs; shifts the reading frame from arginine 1285.
Molecular consequence: frameshift variant.
Genome position (GRCh38, 1-based): chrX:49,212,755, C deleted on the plus strand (G on the coding strand, the reverse complement: CACNA1F is on the minus strand). VCF-style (leftmost placement, unchanged base first): chrX-49212754-GC-G. GRCh37 (hg19) VCF-style: chrX-49069214-GC-G.
Other names: c.3692del, p.Arg1231fs (NM_001256790.3); c.3887del, p.Arg1296fs (NM_005183.4); short protein forms R1296fs, R1231fs, R1285fs.
Identifiers: ClinVar variation 2762090 (VCV002762090.3), dbSNP rs2515763229, ClinGen allele CA2697553108.